The following is an entry in ClinVar:

ClinVar aggregate classification (germline): Conflicting classifications of pathogenicity. Review status: criteria provided, conflicting classifications (1 of 4 stars). 12 submissions from 12 submitters: Uncertain significance (11); Likely benign (1). Last evaluated 2025-11-10.

Conditions:
Hereditary cancer-predisposing syndrome. Also called: Neoplastic Syndromes, Hereditary; Hereditary Cancer Syndrome; Tumor predisposition; Hereditary neoplastic syndrome. Identifiers: Orphanet 140162, MedGen C0027672, MeSH D009386, MONDO:0015356.
Hereditary breast ovarian cancer syndrome. Also called: BRCA1- and BRCA2-Associated Hereditary Breast and Ovarian Cancer; Hereditary breast and ovarian cancer syndrome (HBOC); Hereditary breast and ovarian cancer syndrome; Hereditary breast and ovarian cancer; Hereditary breast and/or ovarian cancer syndrome; Breast and ovarian cancer. Identifiers: Orphanet 145, MedGen C0677776, MeSH D061325, MONDO:0003582. Disease mechanism: loss of function.
Breast-ovarian cancer, familial, susceptibility to, 2 (BROVCA2). Also called: BRCA2 Hereditary Breast and Ovarian Cancer. Identifiers: Orphanet 145, MedGen C2675520, MONDO:0012933, OMIM 612555. Disease mechanism: loss of function.

Allele frequency attached by ClinVar (database versions not stated): gnomAD exomes below 0.00001 and 0.00001; ExAC 0.00001; gnomAD 0.00001; TOPMed 0.00001.
gnomAD v4.1: 7 of 1,613,650 alleles (0.00043%); highest among the groups gnomAD compares: South Asian, 0.0022%; no homozygotes.

Submissions (12):

Labcorp Genetics (formerly Invitae), Labcorp
Classification: Uncertain significance for Hereditary breast ovarian cancer syndrome. Last evaluated: 2025-11-10. Review status: criteria provided, single submitter. Criteria: Invitae Variant Classification Sherloc (09022015). Collection method: clinical testing. Allele origin: germline.
Comment: This sequence change replaces isoleucine, which is neutral and non-polar, with valine, which is neutral and non-polar, at codon 3 of the BRCA2 protein (p.Ile3Val). This variant is present in population databases (rs770479195, gnomAD 0.0009%). This missense change has been observed in individual(s) with breast cancer (PMID: 21520333, 33606809, 35264596, 35957908). ClinVar contains an entry for this variant (Variation ID: 231466). Invitae Evidence Modeling of protein sequence and biophysical properties (such as structural, functional, and spatial information, amino acid conservation, physicochemical variation, residue mobility, and thermodynamic stability) indicates that this missense variant is not expected to disrupt BRCA2 protein function with a negative predictive value of 95%. In summary, the available evidence is currently insufficient to determine the role of this variant in disease. Therefore, it has been classified as a Variant of Uncertain Significance.

Dasa
Classification: Uncertain significance for Breast-ovarian cancer, familial, susceptibility to, 2. Last evaluated: 2025-05-08. Review status: criteria provided, single submitter. Criteria: DASA Assertion Criteria. Collection method: clinical testing. Allele origin: germline.
Comment: NM_000059.4(BRCA2):c.7A>G (p.Ile3Val) is a missense variant that results in the substitution of isoleucine with valine. This variant is rare in population databases. The currently available literature and clinical evidence are not sufficient to establish a definitive association between this variant and the reported condition. Therefore, this variant is classified as a variant of uncertain significance.

Molecular Pathology, Peter Maccallum Cancer Centre
Classification: Likely benign for Breast-ovarian cancer, familial, susceptibility to, 2. Last evaluated: 2025-04-07. Review status: criteria provided, single submitter. Criteria: ACMG Guidelines, 2015. Collection method: clinical testing. Allele origin: germline. Inheritance: Autosomal dominant inheritance.

CeGaT Center for Human Genetics Tuebingen
Classification: Uncertain significance. Last evaluated: 2024-12-01. Review status: criteria provided, single submitter. Criteria: CeGaT Center For Human Genetics Tuebingen Variant Classification Criteria Version 2. Collection method: clinical testing. Allele origin: germline. Affected: yes. Observed: 1 variant allele.
Comment: BRCA2: PM2, BP4

Women's Health and Genetics/Laboratory Corporation of America, LabCorp
Classification: Uncertain significance. Last evaluated: 2024-02-14. Review status: criteria provided, single submitter. Criteria: LabCorp Variant Classification Summary - May 2015. Collection method: clinical testing. Allele origin: germline.
Comment: Variant summary: BRCA2 c.7A>G (p.Ile3Val) results in a conservative amino acid change in the encoded protein sequence. Five of five in-silico tools predict a benign effect of the variant on protein function. The variant allele was found at a frequency of 8e-06 in 251358 control chromosomes (gnomAD). The available data on variant occurrences in the general population are insufficient to allow any conclusion about variant significance. c.7A>G has been reported in the literature in individuals with a personal and/or family history of breast cancer (e.g., Sandoval_2021, Guindalini_2022, deOliveira_2022, Gifoni_2022), however without strong evidence for causality (e.g., lack of co-segregation data). These reports therefore do not provide unequivocal conclusions about association of the variant with Hereditary Breast And Ovarian Cancer Syndrome. To our knowledge, no experimental evidence demonstrating an impact on protein function has been reported. The following publications have been ascertained in the context of this evaluation (PMID: 35957908, 35264596, 20167696, 33606809, 35534704, 16683254). ClinVar contains an entry for this variant (Variation ID: 231466). Based on the evidence outlined above, the variant was classified as uncertain significance.

All of Us Research Program, National Institutes of Health
Classification: Uncertain significance for Breast-ovarian cancer, familial, susceptibility to, 2. Last evaluated: 2023-12-13. Review status: criteria provided, single submitter. Criteria: ACMG Guidelines, 2015. Collection method: clinical testing. Allele origin: germline. Inheritance: Autosomal dominant inheritance. Observed: 2 variant alleles, 2 heterozygotes.
Comment: This missense variant replaces isoleucine with valine at codon 3 of the BRCA2 protein. Computational prediction suggests that this variant may not impact protein structure and function (internally defined REVEL score threshold <= 0.5, PMID: 27666373). To our knowledge, functional studies have not been reported for this variant. This variant has not been reported in individuals affected with hereditary cancer in the literature. This variant has been identified in 2/251358 chromosomes in the general population by the Genome Aggregation Database (gnomAD). The available evidence is insufficient to determine the role of this variant in disease conclusively. Therefore, this variant is classified as a Variant of Uncertain Significance.

This study involves interpretation of variants in research participants for the purpose of population health screening. Participant phenotype was not available at the time of variant classification. Additional details can be found in publication PMID: 35346344, PMCID: PMC8962531

Color Diagnostics, LLC DBA Color Health
Classification: Uncertain significance for Hereditary cancer-predisposing syndrome. Last evaluated: 2023-11-16. Review status: criteria provided, single submitter. Criteria: ACMG Guidelines, 2015. Collection method: clinical testing. Allele origin: germline.
Comment: This missense variant replaces isoleucine with valine at codon 3 of the BRCA2 protein. Computational prediction suggests that this variant may not impact protein structure and function (internally defined REVEL score threshold <= 0.5, PMID: 27666373). To our knowledge, functional studies have not been reported for this variant. This variant has not been reported in individuals affected with hereditary cancer in the literature. This variant has been identified in 2/251358 chromosomes in the general population by the Genome Aggregation Database (gnomAD). The available evidence is insufficient to determine the role of this variant in disease conclusively. Therefore, this variant is classified as a Variant of Uncertain Significance.

Ambry Genetics
Classification: Uncertain significance for Hereditary cancer-predisposing syndrome. Last evaluated: 2023-09-28. Review status: criteria provided, single submitter. Criteria: Ambry Variant Classification Scheme 2023. Collection method: clinical testing. Allele origin: germline.
Comment: The p.I3V variant (also known as c.7A>G), located in coding exon 1 of the BRCA2 gene, results from an A to G substitution at nucleotide position 7. The isoleucine at codon 3 is replaced by valine, an amino acid with highly similar properties. This alteration has been detected in Brazilian breast cancer cohorts (Sandoval RL et al. PLoS One, 2021 Feb;16:e0247363; Guindalini RSC et al. Sci Rep, 2022 Mar;12:4190). This amino acid position is poorly conserved in available vertebrate species, and valine is the reference amino acid in multiple species. In addition, this alteration is predicted to be tolerated by in silico analysis. Since supporting evidence is limited at this time, the clinical significance of this alteration remains unclear.

Sema4
Classification: Uncertain significance for Hereditary cancer-predisposing syndrome. Last evaluated: 2022-03-17. Review status: criteria provided, single submitter. Criteria: Sema4 Curation Guidelines. Collection method: curation. Allele origin: germline.
Comment: The BRCA2 c.7A>G (p.I3V) variant has not been reported in the literature to our knowledge. It was observed in 1/30600 chromosomes of the South Asian (SAS) subpopulation in the large and broad cohorts of the Genome Aggregation Database (PMID: 32461654). This variant has been reported in ClinVar (Variation ID 231466). In silico tools suggest the impact of the variant on protein function is benign, though these predictions have not been confirmed by functional studies. The evidence is insufficient to meet ACMG/AMP criteria for classifying the variant as benign or pathogenic. Thus, the clinical significance of this variant is currently uncertain.

GeneDx
Classification: Uncertain significance. Last evaluated: 2019-08-20. Review status: criteria provided, single submitter. Criteria: GeneDx Variant Classification Process June 2021. Collection method: clinical testing. Allele origin: germline. Affected: yes.
Comment: Not observed at a significant frequency in large population cohorts (Lek et al., 2016); In silico analysis, which includes protein predictors and evolutionary conservation, supports that this variant does not alter protein structure/function; Has not been previously published as pathogenic or benign to our knowledge; Also known as BRCA2 235A>G; This variant is associated with the following publications: (PMID: 20167696)

Quest Diagnostics Nichols Institute San Juan Capistrano
Classification: Uncertain significance. Last evaluated: 2019-07-28. Review status: criteria provided, single submitter. Criteria: Quest Diagnostics criteria. Collection method: clinical testing. Allele origin: germline.

Mendelics
Classification: Uncertain significance for Breast-ovarian cancer, familial, susceptibility to, 2. Last evaluated: 2019-05-28. Review status: criteria provided, single submitter. Criteria: Mendelics Assertion Criteria 2017. Collection method: clinical testing. Allele origin: unknown.

Literature cited by the submitters: PubMed 21520333 (cited by Labcorp Genetics (formerly Invitae), Labcorp); PubMed 33606809 (cited by 3 submitters); PubMed 35264596 (cited by 3 submitters); PubMed 35957908 (cited by Labcorp Genetics (formerly Invitae), Labcorp and Women's Health and Genetics/Laboratory Corporation of America, LabCorp); PubMed 20167696 (cited by Women's Health and Genetics/Laboratory Corporation of America, LabCorp); PubMed 16683254 (cited by Women's Health and Genetics/Laboratory Corporation of America, LabCorp and Ambry Genetics); PubMed 35534704 (cited by Women's Health and Genetics/Laboratory Corporation of America, LabCorp); PubMed 29884841 (cited by Ambry Genetics).

NM_000059.4(BRCA2):c.7A>G (p.Ile3Val)

Gene: BRCA2 (BRCA2 DNA repair associated; plus strand). Cytogenetic location: 13q13.1.
Variant type: single nucleotide variant.
Coding change: c.7A>G on transcript NM_000059.4 (MANE Select); coding-DNA position 7, A replaced by G.
Protein change: p.Ile3Val; replaces isoleucine 3 with valine.
Molecular consequence: missense variant.
Genome position (GRCh38, 1-based): chr13:32,316,467, A>G. VCF-style: chr13-32316467-A-G. GRCh37 (hg19) VCF-style: chr13-32890604-A-G.
Other names: short protein forms I3V.
Identifiers: ClinVar variation 231466 (VCV000231466.43), dbSNP rs770479195, ClinGen allele CA6940305.